The following is an entry in ClinVar:

NM_003280.3(TNNC1):c.394G>A (p.Asp132Asn)

Gene: TNNC1 (troponin C1, slow skeletal and cardiac type; minus strand). Cytogenetic location: 3p21.1.
Variant type: single nucleotide variant.
Coding change: c.394G>A on transcript NM_003280.3 (MANE Select); coding-DNA position 394, G replaced by A.
Protein change: p.Asp132Asn; replaces aspartic acid 132 with asparagine.
Molecular consequence: missense variant.
Genome position (GRCh38, 1-based): chr3:52,451,451, C>T on the plus strand (G>A on the coding strand, the complement: TNNC1 is on the minus strand). VCF-style: chr3-52451451-C-T. GRCh37 (hg19) VCF-style: chr3-52485467-C-T.
Other names: short protein forms D132N.
Identifiers: ClinVar variation 44680 (VCV000044680.6), dbSNP rs397516846, ClinGen allele CA134852.

ClinVar aggregate classification (germline): Uncertain significance. Review status: criteria provided, multiple submitters, no conflicts (2 of 4 stars). 2 submissions from 2 submitters: Uncertain significance (2). Last evaluated 2026-01-20.

Conditions:
Dilated cardiomyopathy 1Z (CMD1Z). Identifiers: Orphanet 154, MedGen C2678475, MONDO:0012745, OMIM 611879.
Hypertrophic cardiomyopathy 13. Also called: TNNC1-Related Familial Hypertrophic Cardiomyopathy. Identifiers: MedGen C2750472, MONDO:0013195, OMIM 613243.

gnomAD v4.1: 2 of 1,614,144 alleles (0.00012%); highest among the groups gnomAD compares: Non-Finnish European, 0.00017%; no homozygotes.

Submissions (2):

Labcorp Genetics (formerly Invitae), Labcorp
Classification: Uncertain significance for Hypertrophic cardiomyopathy 13; Dilated cardiomyopathy 1Z. Last evaluated: 2026-01-20. Review status: criteria provided, single submitter. Criteria: Invitae Variant Classification Sherloc (09022015). Collection method: clinical testing. Allele origin: germline.
Comment: This sequence change replaces aspartic acid, which is acidic and polar, with asparagine, which is neutral and polar, at codon 132 of the TNNC1 protein (p.Asp132Asn). This variant is not present in population databases (gnomAD no frequency). This missense change has been observed in individual(s) with TNNC1-related cardiomyopathy (PMID: 27532257, 32038292, 37652022). ClinVar contains an entry for this variant (Variation ID: 44680). An algorithm developed to predict the effect of missense changes on protein structure and function (PolyPhen-2) suggests that this variant is likely to be disruptive. In summary, the available evidence is currently insufficient to determine the role of this variant in disease. Therefore, it has been classified as a Variant of Uncertain Significance.

Laboratory for Molecular Medicine, Mass General Brigham Personalized Medicine
Classification: Uncertain significance. Last evaluated: 2012-07-06. Review status: criteria provided, single submitter. Criteria: LMM Criteria. Collection method: clinical testing. Allele origin: germline. Observed: 1 variant allele.
Comment: The Asp132Asn variant in TNNC1 has not been reported in the literature nor previ ously identified by our laboratory. In addition, this variant has not been ident ified in large and broad populations by the NHLBI Exome Sequencing Project. This low frequency is consistent with a disease- causing role but insufficient to establish this with confidence. The affected a mino acid is highly conserved in evolution, suggesting that a change may not be tolerated. Other computational analyses (biochemical amino acid properties, Ali gnGVGD, PolyPhen2, and SIFT) do not provide strong support for or against an imp act to the protein. Additional information is needed to fully assess the clinic al significance of the Asp132Asn variant.

Literature cited by the submitters: PubMed 27532257 (cited by Labcorp Genetics (formerly Invitae), Labcorp); PubMed 32038292 (cited by Labcorp Genetics (formerly Invitae), Labcorp); PubMed 37652022 (cited by Labcorp Genetics (formerly Invitae), Labcorp).